The following is an entry in ClinVar:

ClinVar aggregate classification (germline): Uncertain significance (1 of 4 stars; one submission).

Conditions:
Charcot-Marie-Tooth disease axonal type 2C (HMSN2C). Also called: CHARCOT-MARIE-TOOTH DISEASE, AXONAL, AUTOSOMAL DOMINANT, TYPE 2C; Charcot-Marie-Tooth Neuropathy Type 2C; Charcot-Marie-Tooth Disease Type 2, TRPV4-Related (CMT2C). Identifiers: Orphanet 99937, MedGen C1853710, MONDO:0011633, OMIM 606071.

Submission:

Labcorp Genetics (formerly Invitae), Labcorp
Classification: Uncertain significance for Charcot-Marie-Tooth disease axonal type 2C. Last evaluated: 2024-11-21. Review status: criteria provided, single submitter. Criteria: Invitae Variant Classification Sherloc (09022015). Collection method: clinical testing. Allele origin: germline.
Comment: This sequence change affects a donor splice site in intron 10 of the TRPV4 gene. It is expected to disrupt RNA splicing. Variants that disrupt the donor or acceptor splice site typically lead to a loss of protein function (PMID: 16199547), however the current clinical and genetic evidence is not sufficient to establish whether loss-of-function variants in TRPV4 cause disease. This variant is not present in population databases (gnomAD no frequency). This variant has not been reported in the literature in individuals affected with TRPV4-related conditions. ClinVar contains an entry for this variant (Variation ID: 2957299). Algorithms developed to predict the effect of sequence changes on RNA splicing suggest that this variant may disrupt the consensus splice site. In summary, the available evidence is currently insufficient to determine the role of this variant in disease. Therefore, it has been classified as a Variant of Uncertain Significance.

Literature cited by the submitters: PubMed 16199547.

NM_021625.5(TRPV4):c.1658+1G>A

Gene: TRPV4 (transient receptor potential cation channel subfamily V member 4; minus strand). Cytogenetic location: 12q24.11.
Variant type: single nucleotide variant.
Coding change: c.1658+1G>A on transcript NM_021625.5 (MANE Select); the canonical splice donor site of the intron after coding-DNA position 1658, G replaced by A.
Molecular consequence: splice donor variant.
Genome position (GRCh38, 1-based): chr12:109,793,526, C>T on the plus strand (G>A on the coding strand, the complement: TRPV4 is on the minus strand). VCF-style: chr12-109793526-C-T. GRCh37 (hg19) VCF-style: chr12-110231331-C-T.
Other names: c.1337+1G>A (NM_001177433.1); c.1517+1G>A (NM_001177428.1); c.1478+1G>A (NM_147204.2); c.1556+1G>A (NM_001177431.1).
Identifiers: ClinVar variation 2957299 (VCV002957299.3), dbSNP rs2548728669, ClinGen allele CA386651531.